The following is an entry in ClinVar:

NM_001371928.1(AHDC1):c.1724_1725inv (p.Ala575Val)

Gene: AHDC1 (AT-hook DNA binding motif containing 1; minus strand). Cytogenetic location: 1p36.11.
Variant type: Inversion.
Coding change: c.1724_1725inv on transcript NM_001371928.1 (MANE Select).
Protein change: p.Ala575Val; replaces alanine 575 with valine.
Molecular consequence: missense variant.
Genome position: GRCh38 VCF-style: chr1-27550391-TG-CA. GRCh37 (hg19) VCF-style: chr1-27876902-TG-CA.
Other names: c.1724_1725inv, p.Ala575Val (NM_001029882.3); short protein forms A575V.
Identifiers: ClinVar variation 4721729 (VCV004721729.1).

ClinVar aggregate classification (germline): Uncertain significance (1 of 4 stars; one submission).

Submission:

Labcorp Genetics (formerly Invitae), Labcorp
Classification: Uncertain significance. Last evaluated: 2025-07-28. Review status: criteria provided, single submitter. Criteria: Invitae Variant Classification Sherloc (09022015). Collection method: clinical testing. Allele origin: germline.
Comment: This sequence change replaces alanine, which is neutral and non-polar, with valine, which is neutral and non-polar, at codon 575 of the AHDC1 protein (p.Ala575Val). Information on the frequency of this variant in the gnomAD database is not available, as this variant may be reported differently in the database. This variant has not been reported in the literature in individuals affected with AHDC1-related conditions. An algorithm developed to predict the effect of missense changes on protein structure and function (PolyPhen-2) suggests that this variant is likely to be tolerated. In summary, the available evidence is currently insufficient to determine the role of this variant in disease. Therefore, it has been classified as a Variant of Uncertain Significance.